The following is an entry in ClinVar:

ClinVar aggregate classification (germline): Uncertain significance. Review status: criteria provided, multiple submitters, no conflicts (2 of 4 stars). 2 submissions from 2 submitters: Uncertain significance (2). Last evaluated 2022-07-07.

Conditions:
Spastic paraplegia. Identifiers: MedGen C0037772, HP:0001258.

Submissions (2):

GeneDx
Classification: Uncertain significance. Last evaluated: 2022-07-07. Review status: criteria provided, single submitter. Criteria: GeneDx Variant Classification Process June 2021. Collection method: clinical testing. Allele origin: germline. Affected: yes.
Comment: Not observed at significant frequency in large population cohorts (gnomAD); In silico analysis supports that this missense variant does not alter protein structure/function; Has not been previously published as pathogenic or benign to our knowledge

Labcorp Genetics (formerly Invitae), Labcorp
Classification: Uncertain significance for Spastic paraplegia. Last evaluated: 2020-06-22. Review status: criteria provided, single submitter. Criteria: Invitae Variant Classification Sherloc (09022015). Collection method: clinical testing. Allele origin: germline.
Comment: This variant has not been reported in the literature in individuals with SLC33A1-related disease. This variant is not present in population databases (ExAC no frequency). This sequence change replaces asparagine with serine at codon 549 of the SLC33A1 protein (p.Asn549Ser). The asparagine residue is moderately conserved and there is a small physicochemical difference between asparagine and serine. In summary, the available evidence is currently insufficient to determine the role of this variant in disease. Therefore, it has been classified as a Variant of Uncertain Significance. Algorithms developed to predict the effect of missense changes on protein structure and function (SIFT, PolyPhen-2, Align-GVGD) all suggest that this variant is likely to be tolerated, but these predictions have not been confirmed by published functional studies and their clinical significance is uncertain.

NM_004733.4(SLC33A1):c.1646A>G (p.Asn549Ser)

Gene: SLC33A1 (solute carrier family 33 member 1; minus strand). Cytogenetic location: 3q25.31.
Variant type: single nucleotide variant.
Coding change: c.1646A>G on transcript NM_004733.4 (MANE Select); coding-DNA position 1646, A replaced by G.
Protein change: p.Asn549Ser; replaces asparagine 549 with serine.
Molecular consequence: missense variant.
Genome position (GRCh38, 1-based): chr3:155,828,214, T>C on the plus strand (A>G on the coding strand, the complement: SLC33A1 is on the minus strand). VCF-style: chr3-155828214-T-C. GRCh37 (hg19) VCF-style: chr3-155546003-T-C.
Other names: c.1646A>G, p.Asn549Ser (NM_001190992.2); c.1340A>G, p.Asn447Ser (NM_001363883.1); short protein forms N447S, N549S.
Identifiers: ClinVar variation 1040995 (VCV001040995.8), dbSNP rs1752264956, ClinGen allele CA355139613.